The following is an entry in ClinVar:

NM_177438.3(DICER1):c.18G>A (p.Leu6=)

Gene: DICER1 (dicer 1, ribonuclease III; minus strand). Cytogenetic location: 14q32.13.
Variant type: single nucleotide variant.
Coding change: c.18G>A on transcript NM_177438.3 (MANE Select); coding-DNA position 18, G replaced by A.
Protein change: p.Leu6=; no amino-acid change (leucine 6 retained).
Molecular consequence: synonymous variant.
Genome position (GRCh38, 1-based): chr14:95,133,441, C>T on the plus strand (G>A on the coding strand, the complement: DICER1 is on the minus strand). VCF-style: chr14-95133441-C-T. GRCh37 (hg19) VCF-style: chr14-95599778-C-T.
Other names: c.18G>A, p.Leu6= (NM_001195573.1, NM_001271282.3, NM_001291628.2 and 1 more transcripts).
Identifiers: ClinVar variation 704049 (VCV000704049.21), dbSNP rs777350127, ClinGen allele CA7331760.

ClinVar aggregate classification (germline): Benign/Likely benign. Review status: criteria provided, multiple submitters, no conflicts (2 of 4 stars). 5 submissions from 5 submitters: Benign (1); Likely benign (3). 1 of the submissions does not count toward it. Last evaluated 2026-08-17.

Conditions:
DICER1-related disorder. Also called: DICER1-related condition.
DICER1-related tumor predisposition. Also called: DICER1 syndrome; DICER1-related pleuropulmonary blastoma cancer predisposition syndrome. Identifiers: Orphanet 284343, MedGen C3839822, MONDO:0100216.
Hereditary cancer-predisposing syndrome. Also called: Hereditary neoplastic syndrome; Neoplastic Syndromes, Hereditary; Tumor predisposition; Hereditary Cancer Syndrome. Identifiers: Orphanet 140162, MedGen C0027672, MeSH D009386, MONDO:0015356.

Allele frequency attached by ClinVar (database versions not stated): TOPMed below 0.00001; ExAC 0.00001.
gnomAD v4.1: 6 of 1,613,498 alleles (0.00037%); highest among the groups gnomAD compares: Non-Finnish European, 0.00051%; no homozygotes.

Submissions (5):

Myriad Genetics, Inc.
Classification: Benign for DICER1-related tumor predisposition. Last evaluated: 2026-08-17. Review status: criteria provided, single submitter. Criteria: Myriad Autosomal Dominant, Autosomal Recessive and X-Linked Classification Criteria (2023). Collection method: clinical testing. Allele origin: unknown.
Comment: This variant is considered benign. This variant is a silent/synonymous amino acid change and it is not expected to impact splicing.

Labcorp Genetics (formerly Invitae), Labcorp
Classification: Likely benign for DICER1-related tumor predisposition. Last evaluated: 2026-01-08. Review status: criteria provided, single submitter. Criteria: Invitae Variant Classification Sherloc (09022015). Collection method: clinical testing. Allele origin: germline.

Center for Genomic Medicine, Rigshospitalet, Copenhagen University Hospital
Classification: Likely benign. Last evaluated: 2025-03-04. Review status: criteria provided, single submitter. Criteria: ACMG Guidelines, 2015. Collection method: clinical testing. Allele origin: germline.

Ambry Genetics
Classification: Likely benign for Hereditary cancer-predisposing syndrome. Last evaluated: 2022-04-09. Review status: criteria provided, single submitter. Criteria: Ambry Variant Classification Scheme 2023. Collection method: clinical testing. Allele origin: germline.

PreventionGenetics, part of Exact Sciences
Classification: Likely benign for DICER1-related condition. Last evaluated: 2019-10-07. Review status: no assertion criteria provided. Collection method: clinical testing. Allele origin: germline. Not counted in ClinVar's aggregate classification.
Comment: This variant is classified as likely benign based on ACMG/AMP sequence variant interpretation guidelines (Richards et al. 2015 PMID: 25741868, with internal and published modifications).